The following is an entry in ClinVar:

ClinVar aggregate classification (germline): Conflicting classifications of pathogenicity. Review status: criteria provided, conflicting classifications (1 of 4 stars). 2 submissions from 2 submitters: Uncertain significance (1); Likely benign (1). Last evaluated 2025-10-31.

Conditions:
TTN-related disorder. Also called: TTN-related condition; TTN-related disease; TTN-related disorders.

gnomAD v4.1: 55 of 1,467,362 alleles (0.0037%); highest among the groups gnomAD compares: Admixed American, 0.15%; no homozygotes.

Submissions (2):

Mayo Clinic Laboratories, Mayo Clinic
Classification: Uncertain significance. Last evaluated: 2025-10-31. Review status: criteria provided, single submitter. Criteria: ACMG Guidelines, 2015. Collection method: clinical testing. Allele origin: germline. Observed: 1 variant allele.
Comment: BP4_moderate

PreventionGenetics, part of Exact Sciences
Classification: Likely benign for TTN-related condition. Last evaluated: 2025-07-02. Review status: criteria provided, single submitter. Criteria: ACMG Guidelines, 2015. Collection method: clinical testing. Allele origin: germline.
Comment: This variant is classified as likely benign based on ACMG/AMP sequence variant interpretation guidelines (Richards et al. 2015 PMID: 25741868, with internal and published modifications).

NM_001267550.2(TTN):c.106537A>C (p.Lys35513Gln)

Genes: TTN (titin; minus strand), TTN-AS1 (TTN antisense RNA 1; plus strand). Cytogenetic location: 2q31.2.
Variant type: single nucleotide variant.
Coding change: c.106537A>C on transcript NM_001267550.2 (MANE Select); coding-DNA position 106537, A replaced by C.
Protein change: p.Lys35513Gln; replaces lysine 35513 with glutamine.
Molecular consequence: missense variant.
Genome position (GRCh38, 1-based): chr2:178,529,214, T>G on the plus strand (A>C on the coding strand, the complement: TTN is on the minus strand). VCF-style: chr2-178529214-T-G. GRCh37 (hg19) VCF-style: chr2-179393941-T-G.
Other names: p.Lys32945Gln; c.79342A>C, p.Lys26448Gln (NM_003319.4); c.98833A>C, p.Lys32945Gln (NM_133378.4); c.79717A>C, p.Lys26573Gln (NM_133432.3); c.79918A>C, p.Lys26640Gln (NM_133437.4); c.101614A>C, p.Lys33872Gln (NM_001256850.1); short protein forms K26448Q, K32945Q, K26573Q, K35513Q, K26640Q, K33872Q.
Identifiers: ClinVar variation 4540696 (VCV004540696.2).